The following is an entry in ClinVar:

NM_001042492.3(NF1):c.6705-18T>A

Gene: NF1 (neurofibromin 1; plus strand). Cytogenetic location: 17q11.2.
Variant type: single nucleotide variant.
Coding change: c.6705-18T>A on transcript NM_001042492.3 (MANE Select); 18 bases into the intron before coding-DNA position 6705, T replaced by A.
Molecular consequence: intron variant.
Genome position (GRCh38, 1-based): chr17:31,338,007, T>A. VCF-style: chr17-31338007-T-A. GRCh37 (hg19) VCF-style: chr17-29665025-T-A.
Other names: c.6642-18T>A (NM_000267.4).
Identifiers: ClinVar variation 3648773 (VCV003648773.2).

ClinVar aggregate classification (germline): Uncertain significance (1 of 4 stars; one submission).

Conditions:
Neurofibromatosis, type 1 (NF1). Also called: Peripheral type neurofibromatosis; VON RECKLINGHAUSEN DISEASE; Neurofibromatosis, type I; NEUROFIBROMATOSIS, TYPE I, SOMATIC. Identifiers: Orphanet 636, MedGen C0027831, MONDO:0018975, OMIM 162200. Disease mechanism: loss of function.

Submission:

Labcorp Genetics (formerly Invitae), Labcorp
Classification: Uncertain significance for Neurofibromatosis, type 1. Last evaluated: 2024-04-04. Review status: criteria provided, single submitter. Criteria: Invitae Variant Classification Sherloc (09022015). Collection method: clinical testing. Allele origin: germline.
Comment: This sequence change falls in intron 43 of the NF1 gene. It does not directly change the encoded amino acid sequence of the NF1 protein. This variant is not present in population databases (gnomAD no frequency). This variant has not been reported in the literature in individuals affected with NF1-related conditions. Algorithms developed to predict the effect of sequence changes on RNA splicing suggest that this variant may disrupt the consensus splice site. In summary, the available evidence is currently insufficient to determine the role of this variant in disease. Therefore, it has been classified as a Variant of Uncertain Significance.